The following is an entry in ClinVar:

ClinVar aggregate classification (germline): Uncertain significance (1 of 4 stars; one submission).

Submission:

GeneDx
Classification: Uncertain significance. Last evaluated: 2022-11-16. Review status: criteria provided, single submitter. Criteria: GeneDx Variant Classification Process June 2021. Collection method: clinical testing. Allele origin: germline. Affected: yes.
Comment: Not observed at significant frequency in large population cohorts (gnomAD); In silico analysis supports that this missense variant has a deleterious effect on protein structure/function; Has not been previously published as pathogenic or benign to our knowledge

NM_207037.2(TCF12):c.1928T>A (p.Ile643Asn)

Gene: TCF12 (transcription factor 12; plus strand). Cytogenetic location: 15q21.3.
Variant type: single nucleotide variant.
Coding change: c.1928T>A on transcript NM_207037.2 (MANE Select); coding-DNA position 1928, T replaced by A.
Protein change: p.Ile643Asn; replaces isoleucine 643 with asparagine.
Molecular consequence: missense variant.
Genome position (GRCh38, 1-based): chr15:57,273,212, T>A. VCF-style: chr15-57273212-T-A. GRCh37 (hg19) VCF-style: chr15-57565410-T-A.
Other names: c.1418T>A, p.Ile473Asn (NM_001306219.3); c.1148T>A, p.Ile383Asn (NM_001306220.3); c.1928T>A, p.Ile643Asn (NM_001322151.2, NM_001322159.3, NM_001322162.2 and 1 more transcripts); c.1925T>A, p.Ile642Asn (NM_001322152.2, NM_001322161.2); c.1271T>A, p.Ile424Asn (NM_001322154.2); c.1754T>A, p.Ile585Asn (NM_001322156.2); c.1856T>A, p.Ile619Asn (NM_001322157.3, NM_001322165.2, NM_003205.4 and 1 more transcripts); c.1682T>A, p.Ile561Asn (NM_001322158.2); and 2 more; short protein forms I383N, I424N, I449N, I473N, I561N, I585N, I619N, I631N.
Identifiers: ClinVar variation 2502448 (VCV002502448.1), dbSNP rs2551501374, ClinGen allele CA392593072.
Genomic context (GRCh38, chr15:57,273,212, plus strand): 5'-AGCTTGGCCGAATGTGTCAGCTTCACTTGAAGAGTGAAAAACCCCAAACAAAACTCCTTA[T>A]TCTTCATCAAGCCGTGGCAGTCATCCTTAGTCTAGAACAGCAAGTCAGAGGTAAGTAGGT-3'
Protein context (NP_996920.1, residues 633-653): KSEKPQTKLL[Ile643Asn]LHQAVAVILS